The following is an entry in ClinVar:

ClinVar aggregate classification (germline): Conflicting classifications of pathogenicity. Review status: criteria provided, conflicting classifications (1 of 4 stars). 2 submissions from 2 submitters: Uncertain significance (1); Likely benign (1). Last evaluated 2023-02-01.

Allele frequency attached by ClinVar (database versions not stated): 1000 Genomes Project 30x 0.00083.

Submissions (2):

CeGaT Center for Human Genetics Tuebingen
Classification: Likely benign. Last evaluated: 2023-02-01. Review status: criteria provided, single submitter. Criteria: CeGaT Center For Human Genetics Tuebingen Variant Classification Criteria Version 2. Collection method: clinical testing. Allele origin: germline. Affected: yes. Observed: 3 variant alleles.
Comment: MAGEC1: BP4, BS2

Ambry Genetics
Classification: Uncertain significance. Last evaluated: 2021-07-27. Review status: criteria provided, single submitter. Criteria: Ambry Variant Classification Scheme 2023. Collection method: clinical testing. Allele origin: germline.

NM_005462.5(MAGEC1):c.1062C>A (p.Phe354Leu)

Gene: MAGEC1 (MAGE family member C1; plus strand). Cytogenetic location: Xq27.2.
Variant type: single nucleotide variant.
Coding change: c.1062C>A on transcript NM_005462.5 (MANE Select); coding-DNA position 1062, C replaced by A.
Protein change: p.Phe354Leu; replaces phenylalanine 354 with leucine.
Molecular consequence: missense variant.
Genome position (GRCh38, 1-based): chrX:141,906,466, C>A. VCF-style: chrX-141906466-C-A. GRCh37 (hg19) VCF-style: chrX-140994252-C-A.
Other names: short protein forms F354L.
Identifiers: ClinVar variation 2371986 (VCV002371986.26), dbSNP rs145693793, ClinGen allele CA10533518.